The following is an entry in ClinVar:

NM_203446.3(SYNJ1):c.3263C>G (p.Ala1088Gly)

Gene: SYNJ1 (synaptojanin 1; minus strand). Cytogenetic location: 21q22.11.
Variant type: single nucleotide variant.
Coding change: c.3263C>G on transcript NM_203446.3 (MANE Select); coding-DNA position 3263, C replaced by G.
Protein change: p.Ala1088Gly; replaces alanine 1088 with glycine.
Molecular consequence: missense variant.
Genome position (GRCh38, 1-based): chr21:32,645,774, G>C on the plus strand (C>G on the coding strand, the complement: SYNJ1 is on the minus strand). VCF-style: chr21-32645774-G-C. GRCh37 (hg19) VCF-style: chr21-34018084-G-C.
Other names: c.3263C>G, p.Ala1088Gly (NM_001160302.2); c.3248C>G, p.Ala1083Gly (NM_001160306.2); c.3380C>G, p.Ala1127Gly (NM_003895.4); short protein forms A1083G, A1127G, A1088G.
Identifiers: ClinVar variation 1485534 (VCV001485534.6), dbSNP rs1381129608, ClinGen allele CA410068558.
Genomic context (GRCh38, chr21:32,645,774, plus strand): 5'-GGCCGCTTGGGCTCCAAGGGCTGGGCGGGGTCTTTCTGCGGCAGCGGCGTTGCTGGCTGC[G>C]CGTCAATAGGAGAACCTAAAAAGCGCACAGGAGGTAAGAAGATCAGCTTCTAAGTAGCTG-3'
Protein context (NP_982271.3, residues 1078-1098): PPSAQSSPID[Ala1088Gly]QPATPLPQKD

ClinVar aggregate classification (germline): Uncertain significance (1 of 4 stars; one submission).

Conditions:
Developmental and epileptic encephalopathy, 53. Also called: Epileptic encephalopathy, early infantile, 53. Identifiers: MedGen C4479313, MONDO:0033362, OMIM 617389.
Early-onset Parkinson disease 20. Also called: PARKINSON DISEASE 20, AUTOSOMAL RECESSIVE EARLY-ONSET. Identifiers: Orphanet 391411, MedGen C3809824, MONDO:0014233, OMIM 615530.

Allele frequency attached by ClinVar (database versions not stated): TOPMed 0.00001.

Submission:

Labcorp Genetics (formerly Invitae), Labcorp
Classification: Uncertain significance for Developmental and epileptic encephalopathy, 53; Early-onset Parkinson disease 20. Last evaluated: 2022-09-07. Review status: criteria provided, single submitter. Criteria: Invitae Variant Classification Sherloc (09022015). Collection method: clinical testing. Allele origin: germline.
Comment: In summary, the available evidence is currently insufficient to determine the role of this variant in disease. Therefore, it has been classified as a Variant of Uncertain Significance. Algorithms developed to predict the effect of missense changes on protein structure and function (SIFT, PolyPhen-2, Align-GVGD) all suggest that this variant is likely to be tolerated. ClinVar contains an entry for this variant (Variation ID: 1485534). This variant has not been reported in the literature in individuals affected with SYNJ1-related conditions. This variant is present in population databases (no rsID available, gnomAD 0.01%). This sequence change replaces alanine, which is neutral and non-polar, with glycine, which is neutral and non-polar, at codon 1127 of the SYNJ1 protein (p.Ala1127Gly).